The following is an entry in ClinVar:

ClinVar aggregate classification (germline): Uncertain significance (1 of 4 stars; one submission).

Conditions:
Inborn genetic diseases. Identifiers: MedGen C0950123, MeSH D030342.

Submission:

Ambry Genetics
Classification: Uncertain significance for Inborn genetic diseases. Last evaluated: 2024-11-23. Review status: criteria provided, single submitter. Criteria: Ambry Variant Classification Scheme 2023. Collection method: clinical testing. Allele origin: germline.
Comment: The p.D955Y variant (also known as c.2863G>T), located in coding exon 13 of the MECOM gene, results from a G to T substitution at nucleotide position 2863. The aspartic acid at codon 955 is replaced by tyrosine, an amino acid with highly dissimilar properties. This amino acid position is conserved. In addition, the in silico prediction for this alteration is inconclusive. Based on the available evidence, the clinical significance of this variant remains unclear.

NM_004991.4(MECOM):c.2863G>T (p.Asp955Tyr)

Gene: MECOM (MDS1 and EVI1 complex locus; minus strand). Cytogenetic location: 3q26.2.
Variant type: single nucleotide variant.
Coding change: c.2863G>T on transcript NM_004991.4 (MANE Select); coding-DNA position 2863, G replaced by T.
Protein change: p.Asp955Tyr; replaces aspartic acid 955 with tyrosine.
Molecular consequence: missense variant.
Genome position (GRCh38, 1-based): chr3:169,095,232, C>A on the plus strand (G>T on the coding strand, the complement: MECOM is on the minus strand). VCF-style: chr3-169095232-C-A. GRCh37 (hg19) VCF-style: chr3-168813020-C-A.
Other names: c.2494G>T, p.Asp832Tyr (NM_001105077.4); c.2299G>T, p.Asp767Tyr (NM_001105078.4, NM_001205194.2, NM_001366469.2 and 1 more transcripts); c.2275G>T, p.Asp759Tyr (NM_001163999.2, NM_001366470.2); c.2272G>T, p.Asp758Tyr (NM_001164000.2, NM_001366471.2, NM_001366472.2); c.2836G>T, p.Asp946Tyr (NM_001366466.2); c.2302G>T, p.Asp768Tyr (NM_001366467.2, NM_001366468.2); c.1864G>T, p.Asp622Tyr (NM_001366473.2); c.1300G>T, p.Asp434Tyr (NM_001366474.2); short protein forms D434Y, D768Y, D758Y, D759Y, D832Y, D622Y, D767Y, D955Y.
Identifiers: ClinVar variation 3394286 (VCV003394286.1).
Genomic context (GRCh38, chr3:169,095,232, plus strand): 5'-CTTTATTGTGGATGTTGCGAACATGCCTTTGCAAGTTAGAAGATATGCTAAATGATCTGT[C>A]ACAGTATTTGCATCTGAAAAATAAACAAAGAGAAAATATTAGCAAGCACATTAAAAGGTA-3'
Protein context (NP_004982.2, residues 945-965): GEQPYRCKYC[Asp955Tyr]RSFSISSNLQ